The following is an entry in ClinVar:

ClinVar aggregate classification (germline): Uncertain significance (1 of 4 stars; one submission).

gnomAD v4.1: 22 of 1,595,190 alleles (0.0014%); highest among the groups gnomAD compares: African/African-American, 0.027%; no homozygotes.

Submission:

Dasa
Classification: Uncertain significance. Last evaluated: 2024-11-05. Review status: criteria provided, single submitter. Criteria: DASA Assertion Criteria. Collection method: clinical testing. Allele origin: germline.
Comment: NM_003754.3(EIF3F):c.16G>A (p.Val6Ile) is a missense variant that results in the substitution of valine with isoleucine. This variant is rare in population databases. Computational prediction algorithms are consistent with a benign effect. The currently available literature and clinical evidence are not sufficient to establish a definitive association between this variant and the reported condition. Therefore, this variant is classified as a variant of uncertain significance.

NM_003754.3(EIF3F):c.16G>A (p.Val6Ile)

Gene: EIF3F (eukaryotic translation initiation factor 3 subunit F; plus strand). Cytogenetic location: 11p15.4.
Variant type: single nucleotide variant.
Coding change: c.16G>A on transcript NM_003754.3 (MANE Select); coding-DNA position 16, G replaced by A.
Protein change: p.Val6Ile; replaces valine 6 with isoleucine.
Molecular consequence: missense variant.
Genome position (GRCh38, 1-based): chr11:7,987,368, G>A. VCF-style: chr11-7987368-G-A. GRCh37 (hg19) VCF-style: chr11-8008915-G-A.
Other names: short protein forms V6I.
Identifiers: ClinVar variation 4885642 (VCV004885642.2).